The following is an entry in ClinVar:

NM_001330700.2(TOP2B):c.2380C>G (p.Gln794Glu)

Gene: TOP2B (DNA topoisomerase II beta; minus strand). Cytogenetic location: 3p24.2.
Variant type: single nucleotide variant.
Coding change: c.2380C>G on transcript NM_001330700.2 (MANE Select); coding-DNA position 2380, C replaced by G.
Protein change: p.Gln794Glu; replaces glutamine 794 with glutamic acid.
Molecular consequence: missense variant.
Genome position (GRCh38, 1-based): chr3:25,624,412, G>C on the plus strand (C>G on the coding strand, the complement: TOP2B is on the minus strand). VCF-style: chr3-25624412-G-C. GRCh37 (hg19) VCF-style: chr3-25665903-G-C.
Other names: c.2365C>G, p.Gln789Glu (NM_001068.3); short protein forms Q794E, Q789E.
Identifiers: ClinVar variation 4721691 (VCV004721691.1).
Genomic context (GRCh38, chr3:25,624,412, plus strand): 5'-GAGTTCCAAACTGACCAATAGGCTGAAGCAAGTTAATGTTGTTACTTCCCACAAAGTTCT[G>C]AGCCAAATTCACAATAGTCATCATCAATGCTTGCTATACAACAGAAGAAGGCAGAACATA-3'
Protein context (NP_001317629.1, residues 784-804): ALMMTIVNLA[Gln794Glu]NFVGSNNINL

ClinVar aggregate classification (germline): Uncertain significance (1 of 4 stars; one submission).

Submission:

Labcorp Genetics (formerly Invitae), Labcorp
Classification: Uncertain significance. Last evaluated: 2025-07-23. Review status: criteria provided, single submitter. Criteria: Invitae Variant Classification Sherloc (09022015). Collection method: clinical testing. Allele origin: germline.
Comment: This sequence change replaces glutamine, which is neutral and polar, with glutamic acid, which is acidic and polar, at codon 789 of the TOP2B protein (p.Gln789Glu). This variant is not present in population databases (gnomAD no frequency). This variant has not been reported in the literature in individuals affected with TOP2B-related conditions. An algorithm developed to predict the effect of missense changes on protein structure and function (PolyPhen-2) suggests that this variant is likely to be disruptive. In summary, the available evidence is currently insufficient to determine the role of this variant in disease. Therefore, it has been classified as a Variant of Uncertain Significance.